The following is an entry in ClinVar:

ClinVar aggregate classification (germline): Uncertain significance (1 of 4 stars; one submission).

Conditions:
Hereditary cancer-predisposing syndrome. Also called: Neoplastic Syndromes, Hereditary; Tumor predisposition; Hereditary Cancer Syndrome; Hereditary neoplastic syndrome. Identifiers: Orphanet 140162, MedGen C0027672, MeSH D009386, MONDO:0015356.

Submission:

Ambry Genetics
Classification: Uncertain significance for Hereditary cancer-predisposing syndrome. Last evaluated: 2022-12-23. Review status: criteria provided, single submitter. Criteria: Ambry Variant Classification Scheme 2023. Collection method: clinical testing. Allele origin: germline.
Comment: The p.S225T variant (also known as c.674G>C), located in coding exon 7 of the MRE11A gene, results from a G to C substitution at nucleotide position 674. The serine at codon 225 is replaced by threonine, an amino acid with similar properties. This amino acid position is poorly conserved in available vertebrate species. In addition, this alteration is predicted to be tolerated by in silico analysis. Since supporting evidence is limited at this time, the clinical significance of this alteration remains unclear.

NM_005591.4(MRE11):c.674G>C (p.Ser225Thr)

Gene: MRE11 (MRE11 double strand break repair nuclease; minus strand). Cytogenetic location: 11q21.
Variant type: single nucleotide variant.
Coding change: c.674G>C on transcript NM_005591.4 (MANE Select); coding-DNA position 674, G replaced by C.
Protein change: p.Ser225Thr; replaces serine 225 with threonine.
Molecular consequence: missense variant.
Genome position (GRCh38, 1-based): chr11:94,471,745, C>G on the plus strand (G>C on the coding strand, the complement: MRE11 is on the minus strand). VCF-style: chr11-94471745-C-G. GRCh37 (hg19) VCF-style: chr11-94204911-C-G.
Other names: c.674G>C, p.Ser225Thr (NM_001330347.2, NM_005590.4); short protein forms S225T.
Identifiers: ClinVar variation 1799615 (VCV001799615.3), dbSNP rs1418567615, ClinGen allele CA382375935.
Genomic context (GRCh38, chr11:94,471,745, plus strand): 5'-TGGCCCCAGATAACAAGATCAATGAAGTCATCCAAAAATTGTTCTGGAATGAAGTTAGTA[C>G]TTCCATGTTTACTCCTGTATCAAGATTTTGAAAAATATAAATTCGGTGATTAGAAAAATT-3'
Protein context (NP_005582.1, residues 215-235): VIHQNRSKHG[Ser225Thr]TNFIPEQFLD